The following is an entry in ClinVar:

ClinVar aggregate classification (somatic clinical impact): Tier II - Potential (1 of 4 stars; one submission).

Conditions:
Neuroblastoma (NB). Identifiers: Orphanet 635, MedGen C0027819, MeSH D009447, MONDO:0005072, HP:0003006.

gnomAD v4.1: 4 of 1,211,078 alleles (0.00033%); highest among the groups gnomAD compares: Non-Finnish European, 0.00045%; no homozygotes.

Submission:

Institute for Genomic Medicine (IGM) Clinical Laboratory, Nationwide Children's Hospital
Classification: Tier II - Potential for Neuroblastoma. Assertion type: diagnostic. Clinical significance: supports diagnosis. Last evaluated: 2024-11-26. Review status: criteria provided, single submitter. Criteria: AMP/ASCO/CAP Guidelines, 2017. Collection method: clinical testing. Allele origin: somatic. Affected: yes.
Comment: Variant has Tier II (potential) clinical significance as a diagnostic inclusion criterion in neuroblastoma, based on the following evidence: 1) Documented in one or more cancer databases (e.g., St. Jude Pecan, COSMIC, CIViC, OncoKB). 2) Appears in one or more well-established professional guidelines (e.g., World Health Organization [WHO]; National Comprehensive Cancer Network [NCCN]) as providing diagnostic, prognostic, or therapeutic information. 3) Diagnostic significance based on multiple small studies (Evidence Level C; PMIDs: 22416102, 23334666, 33056981, 25487495, 30523111, 32291317, 32060267, 35384159).

Literature cited by the submitters: PubMed 22416102; PubMed 23334666; PubMed 33056981; PubMed 25487495; PubMed 30523111; PubMed 32291317; PubMed 32060267; PubMed 35384159.

NM_000489.6(ATRX):c.2017G>A (p.Val673Ile)

Gene: ATRX (ATRX chromatin remodeler; minus strand). Cytogenetic location: Xq21.1.
Variant type: single nucleotide variant.
Coding change: c.2017G>A on transcript NM_000489.6 (MANE Select); coding-DNA position 2017, G replaced by A.
Protein change: p.Val673Ile; replaces valine 673 with isoleucine.
Molecular consequence: missense variant.
Genome position (GRCh38, 1-based): chrX:77,683,239, C>T on the plus strand (G>A on the coding strand, the complement: ATRX is on the minus strand). VCF-style: chrX-77683239-C-T. GRCh37 (hg19) VCF-style: chrX-76938731-C-T.
Other names: c.1903G>A, p.Val635Ile (NM_138270.5); short protein forms V635I, V673I.
Identifiers: ClinVar variation 4530228 (VCV004530228.1).